The following is an entry in ClinVar:

NM_134261.3(RORA):c.987A>G (p.Glu329=)

Genes: RORA (RAR related orphan receptor A; minus strand), RORA-AS1 (RORA antisense RNA 1; plus strand). Cytogenetic location: 15q22.2.
Variant type: single nucleotide variant.
Coding change: c.987A>G on transcript NM_134261.3 (MANE Select); coding-DNA position 987, A replaced by G.
Protein change: p.Glu329=; no amino-acid change (glutamic acid 329 retained).
Molecular consequence: synonymous variant.
Genome position (GRCh38, 1-based): chr15:60,503,623, T>C on the plus strand (A>G on the coding strand, the complement: RORA is on the minus strand). VCF-style: chr15-60503623-T-C. GRCh37 (hg19) VCF-style: chr15-60795822-T-C.
Other names: c.1062A>G, p.Glu354= (NM_002943.4); c.1086A>G, p.Glu362= (NM_134260.3); c.822A>G, p.Glu274= (NM_134262.3).
Identifiers: ClinVar variation 782594 (VCV000782594.27), dbSNP rs141640548, ClinGen allele CA7593591.

ClinVar aggregate classification (germline): Benign/Likely benign. Review status: criteria provided, multiple submitters, no conflicts (2 of 4 stars). 4 submissions from 4 submitters: Benign (1); Likely benign (3). Last evaluated 2025-12-01.

Conditions:
Intellectual developmental disorder with or without epilepsy or cerebellar ataxia. Identifiers: MedGen C4748041, MONDO:0060745, OMIM 618060.

Allele frequency attached by ClinVar (database versions not stated): gnomAD exomes 0.00032 and 0.00086; ExAC 0.00097; 1000 Genomes Project 0.00260; 1000 Genomes Project 30x 0.00265; ESP Exome Variant Server 0.00369; gnomAD 0.00378 and 0.00411; TOPMed 0.00422.
gnomAD v4.1: 1,074 of 1,614,114 alleles (0.067%); highest among the groups gnomAD compares: African/African-American, 1.3%; 5 homozygotes.

Submissions (4):

CeGaT Center for Human Genetics Tuebingen
Classification: Likely benign. Last evaluated: 2025-12-01. Review status: criteria provided, single submitter. Criteria: CeGaT Center For Human Genetics Tuebingen Variant Classification Criteria Version 2. Collection method: clinical testing. Allele origin: germline. Affected: yes. Observed: 3 variant alleles.
Comment: RORA: BP4, BP7, BS1

Blueprint Genetics
Classification: Likely benign. Last evaluated: 2024-06-19. Review status: criteria provided, single submitter. Criteria: ACMG Guidelines, 2015. Collection method: clinical testing. Allele origin: germline.

Fulgent Genetics
Classification: Likely benign for Intellectual developmental disorder with or without epilepsy or cerebellar ataxia. Last evaluated: 2021-09-01. Review status: criteria provided, single submitter. Criteria: ACMG Guidelines, 2015. Collection method: clinical testing. Allele origin: unknown.

Labcorp Genetics (formerly Invitae), Labcorp
Classification: Benign. Last evaluated: 2018-05-03. Review status: criteria provided, single submitter. Criteria: Invitae Variant Classification Sherloc (09022015). Collection method: clinical testing. Allele origin: germline.